The following is an entry in ClinVar:

NM_001166108.2(PALLD):c.3248A>T (p.Tyr1083Phe)

Genes: CBR4 (carbonyl reductase 4; minus strand), PALLD (palladin, cytoskeletal associated protein; plus strand). Cytogenetic location: 4q32.3.
Variant type: single nucleotide variant.
Coding change: c.3248A>T on transcript NM_001166108.2 (MANE Select); coding-DNA position 3248, A replaced by T.
Protein change: p.Tyr1083Phe; replaces tyrosine 1083 with phenylalanine.
Molecular consequence: missense variant.
Genome position (GRCh38, 1-based): chr4:168,924,968, A>T. VCF-style: chr4-168924968-A-T. GRCh37 (hg19) VCF-style: chr4-169846119-A-T.
Other names: c.2051A>T, p.Tyr684Phe (NM_001166109.2); c.1736A>T, p.Tyr579Phe (NM_001166110.2); c.1076A>T, p.Tyr359Phe (NM_001367567.1, NM_001367569.1); c.1127A>T, p.Tyr376Phe (NM_001367568.1, NM_001367570.1); c.3197A>T, p.Tyr1066Phe (NM_016081.4); short protein forms Y1066F, Y376F, Y684F, Y1083F, Y359F, Y579F.
Identifiers: ClinVar variation 2497014 (VCV002497014.2), dbSNP rs2534267537, ClinGen allele CA358713584.

ClinVar aggregate classification (germline): Uncertain significance (1 of 4 stars; one submission).

Allele frequency attached by ClinVar (database versions not stated): gnomAD exomes below 0.00001.
gnomAD v4.1: 1 of 1,614,138 alleles (0.000062%); highest among the groups gnomAD compares: Admixed American, 0.0017%; no homozygotes.

Submission:

Ambry Genetics
Classification: Uncertain significance. Last evaluated: 2023-03-03. Review status: criteria provided, single submitter. Criteria: Ambry Variant Classification Scheme 2023. Collection method: clinical testing. Allele origin: germline.
Comment: The p.Y1066F variant (also known as c.3197A>T), located in coding exon 18 of the PALLD gene, results from an A to T substitution at nucleotide position 3197. The tyrosine at codon 1066 is replaced by phenylalanine, an amino acid with highly similar properties. This amino acid position is conserved. In addition, the in silico prediction for this alteration is inconclusive. Since supporting evidence is limited at this time, the clinical significance of this alteration remains unclear.